The following is an entry in ClinVar:

NM_001754.5(RUNX1):c.1056C>T (p.Ala352=)

Gene: RUNX1 (RUNX family transcription factor 1; minus strand). Cytogenetic location: 21q22.12.
Variant type: single nucleotide variant.
Coding change: c.1056C>T on transcript NM_001754.5 (MANE Select); coding-DNA position 1056, C replaced by T.
Protein change: p.Ala352=; no amino-acid change (alanine 352 retained).
Molecular consequence: synonymous variant.
Genome position (GRCh38, 1-based): chr21:34,792,522, G>A on the plus strand (C>T on the coding strand, the complement: RUNX1 is on the minus strand). VCF-style: chr21-34792522-G-A. GRCh37 (hg19) VCF-style: chr21-36164819-G-A.
Other names: NM_001754.5(RUNX1):c.1056C>T; p.Ala352=; c.975C>T, p.Ala325= (NM_001001890.3); c.1056C>T (NM_001754.4).
Identifiers: ClinVar variation 1577145 (VCV001577145.11), dbSNP rs2145877419, ClinGen allele CA512341341.

ClinVar aggregate classification (germline): Likely benign. Review status: reviewed by expert panel (3 of 4 stars). 4 submissions from 4 submitters: Likely benign (1). 3 of the submissions do not count toward it. Last evaluated 2024-06-24.

Conditions:
Hereditary thrombocytopenia and hematologic cancer predisposition syndrome. Identifiers: Orphanet 71290, MedGen CN281654, MONDO:0011071.
Hereditary thrombocytopenia and hematological cancer predisposition syndrome associated with RUNX1. Also called: RUNX1 Familial Platelet Disorder with Associated Myeloid Malignancies; Familial Platelet Disorder with Propensity to Acute Myelogenous Leukemia; Familial thrombocytopenia with propensity to acute myelogenous leukemia; PLATELET DISORDER, ASPIRIN-LIKE. Identifiers: Orphanet 71290, MedGen C1832388, MeSH C563324, MONDO:0100083, OMIM 601399.
Inborn genetic diseases. Identifiers: MedGen C0950123, MeSH D030342.

Allele frequency attached by ClinVar (database versions not stated): gnomAD exomes below 0.00001.
gnomAD v4.1: 7 of 1,604,920 alleles (0.00044%); highest among the groups gnomAD compares: South Asian, 0.0011%; no homozygotes.

Submissions (4):

ClinGen Myeloid Malignancy Variant Curation Expert Panel
Classification: Likely benign for Hereditary thrombocytopenia and hematologic cancer predisposition syndrome. Last evaluated: 2024-06-24. Review status: reviewed by expert panel. Criteria: ClinGen MyeloMalig ACMG Specifications v2. Collection method: curation. Allele origin: germline. Inheritance: Autosomal dominant inheritance.
Comment: NM_001754.5(RUNX1):c.1056C>T (p.Ala352=) is a synonymous variant. This variant is completely absent from all population databases with at least 20x coverage for RUNX1 in gnomAD v2.1.1 and v3.1.2 (PM2_supporting). SpliceAI predicts no impact to splicing (score: 0.00) (BP4). Evolutionary conservation prediction algorithms predict the site as not being conserved (PhyloP score 0.495 (BP7). This variant was reported in ClinVar in 2022 by Invitae but the affected status of the proband is unknown (Variation ID 1577145). In summary, this variant meets criteria to be classified as likely benign. ACMG/AMP criteria applied, as specified by the Myeloid Malignancy Variant Curation Expert Panel for RUNX1: PM2_supporting, BP4, BP7.

Ambry Genetics
Classification: Likely benign for Inborn genetic diseases. Last evaluated: 2025-03-28. Review status: criteria provided, single submitter. Criteria: Ambry Variant Classification Scheme 2023. Collection method: clinical testing. Allele origin: germline. Not counted in ClinVar's aggregate classification.

GeneDx
Classification: Uncertain significance. Last evaluated: 2024-04-07. Review status: criteria provided, single submitter. Criteria: GeneDx Variant Classification Process June 2021. Collection method: clinical testing. Allele origin: germline. Affected: yes. Not counted in ClinVar's aggregate classification.
Comment: Not observed at significant frequency in large population cohorts (gnomAD); In silico analysis indicates that this variant does not alter splicing; Has not been previously published as pathogenic or benign to our knowledge

Labcorp Genetics (formerly Invitae), Labcorp
Classification: Likely benign for Hereditary thrombocytopenia and hematological cancer predisposition syndrome associated with RUNX1. Last evaluated: 2022-07-06. Review status: criteria provided, single submitter. Criteria: Invitae Variant Classification Sherloc (09022015). Collection method: clinical testing. Allele origin: germline. Not counted in ClinVar's aggregate classification.